The following is an entry in ClinVar:

ClinVar aggregate classification (germline): Uncertain significance. Review status: criteria provided, multiple submitters, no conflicts (2 of 4 stars). 3 submissions from 3 submitters: Uncertain significance (3). Last evaluated 2026-04-27.

Conditions:
RP1L1-related disorder. Also called: RP1L1-related condition.
Inborn genetic diseases. Identifiers: MedGen C0950123, MeSH D030342.

gnomAD v4.1: 45 of 1,607,794 alleles (0.0028%); highest among the groups gnomAD compares: South Asian, 0.021%; no homozygotes.

Submissions (3):

PreventionGenetics, part of Exact Sciences
Classification: Uncertain significance for RP1L1-related condition. Last evaluated: 2026-04-27. Review status: criteria provided, single submitter. Criteria: ACMG Guidelines, 2015. Collection method: clinical testing. Allele origin: germline.
Comment: The RP1L1 c.4472C>T variant is predicted to result in the amino acid substitution p.Thr1491Met. To our knowledge, this variant has not been reported in the literature. This variant is reported in 0.023% of alleles in individuals of South Asian descent in gnomAD. At this time, the clinical significance of this variant is uncertain due to the absence of conclusive functional and genetic evidence.

Blueprint Genetics
Classification: Uncertain significance. Last evaluated: 2024-08-11. Review status: criteria provided, single submitter. Criteria: ACMG Guidelines, 2015. Collection method: clinical testing. Allele origin: germline.

Ambry Genetics
Classification: Uncertain significance for Inborn genetic diseases. Last evaluated: 2024-05-07. Review status: criteria provided, single submitter. Criteria: Ambry Variant Classification Scheme 2023. Collection method: clinical testing. Allele origin: germline.

NM_178857.6(RP1L1):c.4472C>T (p.Thr1491Met)

Gene: RP1L1 (RP1 like 1). Cytogenetic location: 8p23.1.
Variant type: single nucleotide variant.
Coding change: c.4472C>T on transcript NM_178857.6 (MANE Select); coding-DNA position 4472, C replaced by T.
Protein change: p.Thr1491Met; replaces threonine 1491 with methionine.
Molecular consequence: missense variant.
Genome position (GRCh38, 1-based): chr8:10,609,626, G>A on the plus strand (C>T on the coding strand, the complement: RP1L1 is on the minus strand). VCF-style: chr8-10609626-G-A. GRCh37 (hg19) VCF-style: chr8-10467136-G-A.
Other names: short protein forms T1491M.
Identifiers: ClinVar variation 3315079 (VCV003315079.3).